The following is an entry in ClinVar:

ClinVar aggregate classification (germline): Uncertain significance (1 of 4 stars; one submission).

Allele frequency attached by ClinVar (database versions not stated): gnomAD 0.00001; gnomAD exomes 0.00003; ESP Exome Variant Server 0.00008; 1000 Genomes Project 30x 0.00016; 1000 Genomes Project 0.00020.
gnomAD v4.1: 49 of 1,613,904 alleles (0.003%); highest among the groups gnomAD compares: Middle Eastern, 0.016%; no homozygotes.

Submission:

Labcorp Genetics (formerly Invitae), Labcorp
Classification: Uncertain significance. Last evaluated: 2022-05-31. Review status: criteria provided, single submitter. Criteria: Invitae Variant Classification Sherloc (09022015). Collection method: clinical testing. Allele origin: germline.
Comment: This sequence change replaces arginine, which is basic and polar, with tryptophan, which is neutral and slightly polar, at codon 1418 of the ABCC6 protein (p.Arg1418Trp). This variant is present in population databases (rs59588658, gnomAD 0.02%). This variant has not been reported in the literature in individuals affected with ABCC6-related conditions. Advanced modeling of protein sequence and biophysical properties (such as structural, functional, and spatial information, amino acid conservation, physicochemical variation, residue mobility, and thermodynamic stability) performed at Invitae indicates that this missense variant is expected to disrupt ABCC6 protein function. In summary, the available evidence is currently insufficient to determine the role of this variant in disease. Therefore, it has been classified as a Variant of Uncertain Significance.

NM_001171.6(ABCC6):c.4252C>T (p.Arg1418Trp)

Gene: ABCC6 (ATP binding cassette subfamily C member 6; minus strand). Cytogenetic location: 16p13.11.
Variant type: single nucleotide variant.
Coding change: c.4252C>T on transcript NM_001171.6 (MANE Select); coding-DNA position 4252, C replaced by T.
Protein change: p.Arg1418Trp; replaces arginine 1418 with tryptophan.
Molecular consequence: missense variant. On other transcripts: non-coding transcript variant (1).
Genome position (GRCh38, 1-based): chr16:16,150,729, G>A on the plus strand (C>T on the coding strand, the complement: ABCC6 is on the minus strand). VCF-style: chr16-16150729-G-A. GRCh37 (hg19) VCF-style: chr16-16244586-G-A.
Other names: c.3910C>T, p.Arg1304Trp (NM_001351800.1); short protein forms R1418W, R1304W.
Identifiers: ClinVar variation 2151287 (VCV002151287.1), dbSNP rs59588658, ClinGen allele CA7925242.